The following is an entry in ClinVar:

NM_001191061.2(SLC25A22):c.140C>G (p.Thr47Arg)

Gene: SLC25A22 (solute carrier family 25 member 22; minus strand). Cytogenetic location: 11p15.5.
Variant type: single nucleotide variant.
Coding change: c.140C>G on transcript NM_001191061.2 (MANE Select); coding-DNA position 140, C replaced by G.
Protein change: p.Thr47Arg; replaces threonine 47 with arginine.
Molecular consequence: missense variant.
Genome position (GRCh38, 1-based): chr11:794,782, G>C on the plus strand (C>G on the coding strand, the complement: SLC25A22 is on the minus strand). VCF-style: chr11-794782-G-C. GRCh37 (hg19) VCF-style: chr11-794782-G-C.
Other names: c.140C>G, p.Thr47Arg (NM_001191060.2, NM_024698.6); short protein forms T47R.
Identifiers: ClinVar variation 2079014 (VCV002079014.4), dbSNP rs142220309, ClinGen allele CA378921823.

ClinVar aggregate classification (germline): Uncertain significance (1 of 4 stars; one submission).

Conditions:
Early-infantile DEE. Also called: Ohtahara syndrome; Early infantile epileptic encephalopathy with suppression bursts; Early infantile epileptic encephalopathy. Identifiers: Orphanet 1934, MedGen C0393706, MONDO:0800491.

Submission:

Labcorp Genetics (formerly Invitae), Labcorp
Classification: Uncertain significance for Early-infantile DEE. Last evaluated: 2022-01-11. Review status: criteria provided, single submitter. Criteria: Invitae Variant Classification Sherloc (09022015). Collection method: clinical testing. Allele origin: germline.
Comment: Algorithms developed to predict the effect of sequence changes on RNA splicing suggest that this variant may create or strengthen a splice site. In summary, the available evidence is currently insufficient to determine the role of this variant in disease. Therefore, it has been classified as a Variant of Uncertain Significance. Algorithms developed to predict the effect of missense changes on protein structure and function are either unavailable or do not agree on the potential impact of this missense change (SIFT: "Deleterious"; PolyPhen-2: "Benign"; Align-GVGD: "Class C0"). This variant has not been reported in the literature in individuals affected with SLC25A22-related conditions. This variant is not present in population databases (gnomAD no frequency). This sequence change replaces threonine, which is neutral and polar, with arginine, which is basic and polar, at codon 47 of the SLC25A22 protein (p.Thr47Arg).